The following is an entry in ClinVar:

ClinVar aggregate classification (germline): Uncertain significance. Review status: criteria provided, multiple submitters, no conflicts (2 of 4 stars). 2 submissions from 2 submitters: Uncertain significance (2). Last evaluated 2022-02-11.

Allele frequency attached by ClinVar (database versions not stated): gnomAD exomes below 0.00001 and 0.00001.

Submissions (2):

GeneDx
Classification: Uncertain significance. Last evaluated: 2022-02-11. Review status: criteria provided, single submitter. Criteria: GeneDx Variant Classification Process June 2021. Collection method: clinical testing. Allele origin: germline. Affected: yes.
Comment: Not observed at significant frequency in large population cohorts (gnomAD); In silico analysis supports that this missense variant has a deleterious effect on protein structure/function; Has not been previously published as pathogenic or benign to our knowledge

Labcorp Genetics (formerly Invitae), Labcorp
Classification: Uncertain significance. Last evaluated: 2021-10-27. Review status: criteria provided, single submitter. Criteria: Invitae Variant Classification Sherloc (09022015). Collection method: clinical testing. Allele origin: germline.
Comment: This variant has not been reported in the literature in individuals affected with SCN3A-related conditions. Algorithms developed to predict the effect of missense changes on protein structure and function are either unavailable or do not agree on the potential impact of this missense change (SIFT: "Deleterious"; PolyPhen-2: "Probably Damaging"; Align-GVGD: "Class C0"). In summary, the available evidence is currently insufficient to determine the role of this variant in disease. Therefore, it has been classified as a Variant of Uncertain Significance. This variant is present in population databases (no rsID available, gnomAD 0.0009%). This sequence change replaces isoleucine, which is neutral and non-polar, with methionine, which is neutral and non-polar, at codon 1250 of the SCN3A protein (p.Ile1250Met).

NM_006922.4(SCN3A):c.3750A>G (p.Ile1250Met)

Gene: SCN3A (sodium voltage-gated channel alpha subunit 3; minus strand). Cytogenetic location: 2q24.3.
Variant type: single nucleotide variant.
Coding change: c.3750A>G on transcript NM_006922.4 (MANE Select); coding-DNA position 3750, A replaced by G.
Protein change: p.Ile1250Met; replaces isoleucine 1250 with methionine.
Molecular consequence: missense variant.
Genome position (GRCh38, 1-based): chr2:165,112,978, T>C on the plus strand (A>G on the coding strand, the complement: SCN3A is on the minus strand). VCF-style: chr2-165112978-T-C. GRCh37 (hg19) VCF-style: chr2-165969488-T-C.
Other names: c.3603A>G, p.Ile1201Met (NM_001081676.2, NM_001081677.2); short protein forms I1201M, I1250M.
Identifiers: ClinVar variation 1367862 (VCV001367862.7), dbSNP rs1179208168, ClinGen allele CA349032510.